The following is an entry in ClinVar:

NM_001122630.2(CDKN1C):c.626C>T (p.Pro209Leu)

Gene: CDKN1C (cyclin dependent kinase inhibitor 1C; minus strand). Cytogenetic location: 11p15.4.
Variant type: single nucleotide variant.
Coding change: c.626C>T on transcript NM_001122630.2 (MANE Select); coding-DNA position 626, C replaced by T.
Protein change: p.Pro209Leu; replaces proline 209 with leucine.
Molecular consequence: missense variant. On other transcripts: intron variant (1).
Genome position (GRCh38, 1-based): chr11:2,884,831, G>A on the plus strand (C>T on the coding strand, the complement: CDKN1C is on the minus strand). VCF-style: chr11-2884831-G-A. GRCh37 (hg19) VCF-style: chr11-2906061-G-A.
Other names: c.659C>T, p.Pro220Leu (LRG_533t1, NM_000076.2, NM_001362474.2); c.626C>T, p.Pro209Leu (NM_001122631.2); c.255+371C>T (NM_001362475.2); short protein forms P220L, P209L.
Identifiers: ClinVar variation 649741 (VCV000649741.6), dbSNP rs763289302, ClinGen allele CA5822198.
Genomic context (GRCh38, chr11:2,884,831, plus strand): 5'-TCAGCGAGAGGCTCCTGGCCGCGCTGCCCCTGGTTCGCGCCCTGCTCGGCGCTCTCTTGA[G>A]GCGCCGCGTCCGGGGCCGGGGCCGGGGCGGGGGCCGGGGCCGGGGCCGGGGCCGGGGCTG-3'
Protein context (NP_001116102.1, residues 199-219): PAPAPAPDAA[Pro209Leu]QESAEQGANQ

ClinVar aggregate classification (germline): Uncertain significance. Review status: criteria provided, multiple submitters, no conflicts (2 of 4 stars). 2 submissions from 2 submitters: Uncertain significance (2). Last evaluated 2024-07-29.

Conditions:
Beckwith-Wiedemann syndrome (BWS). Also called: Exomphalos macroglossia gigantism syndrome; EMG SYNDROME. Identifiers: Orphanet 116, MedGen C0004903, MONDO:0007534, OMIM 130650.

Allele frequency attached by ClinVar (database versions not stated): gnomAD exomes below 0.00001; TOPMed below 0.00001; ExAC below 0.00001.
gnomAD v4.1: 1 of 1,264,862 alleles (0.000079%); highest among the groups gnomAD compares: Non-Finnish European, 0.0001%; no homozygotes.

Submissions (2):

Labcorp Genetics (formerly Invitae), Labcorp
Classification: Uncertain significance for Beckwith-Wiedemann syndrome. Last evaluated: 2024-07-29. Review status: criteria provided, single submitter. Criteria: Invitae Variant Classification Sherloc (09022015). Collection method: clinical testing. Allele origin: germline.
Comment: This sequence change replaces proline, which is neutral and non-polar, with leucine, which is neutral and non-polar, at codon 220 of the CDKN1C protein (p.Pro220Leu). This variant is not present in population databases (gnomAD no frequency). This variant has not been reported in the literature in individuals affected with CDKN1C-related conditions. ClinVar contains an entry for this variant (Variation ID: 649741). Advanced modeling of protein sequence and biophysical properties (such as structural, functional, and spatial information, amino acid conservation, physicochemical variation, residue mobility, and thermodynamic stability) performed at Invitae indicates that this missense variant is not expected to disrupt CDKN1C protein function with a negative predictive value of 80%. In summary, the available evidence is currently insufficient to determine the role of this variant in disease. Therefore, it has been classified as a Variant of Uncertain Significance.

Baylor Genetics
Classification: Uncertain significance for Beckwith-Wiedemann syndrome. Last evaluated: 2023-09-27. Review status: criteria provided, single submitter. Criteria: ACMG Guidelines, 2015. Collection method: clinical testing. Allele origin: unknown.